The following is an entry in ClinVar:

ClinVar aggregate classification (germline): Uncertain significance. Review status: criteria provided, multiple submitters, no conflicts (2 of 4 stars). 2 submissions from 2 submitters: Uncertain significance (2). Last evaluated 2023-07-10.

Conditions:
Hereditary cancer-predisposing syndrome. Also called: Hereditary Cancer Syndrome; Hereditary neoplastic syndrome; Tumor predisposition; Neoplastic Syndromes, Hereditary. Identifiers: Orphanet 140162, MedGen C0027672, MeSH D009386, MONDO:0015356.
Breast-ovarian cancer, familial, susceptibility to, 2 (BROVCA2). Also called: BRCA2 Hereditary Breast and Ovarian Cancer. Identifiers: Orphanet 145, MedGen C2675520, MONDO:0012933, OMIM 612555. Disease mechanism: loss of function.

Submissions (2):

All of Us Research Program, National Institutes of Health
Classification: Uncertain significance for Breast-ovarian cancer, familial, susceptibility to, 2. Last evaluated: 2023-07-10. Review status: criteria provided, single submitter. Criteria: ACMG Guidelines, 2015. Collection method: clinical testing. Allele origin: germline. Inheritance: Autosomal dominant inheritance. Observed: 1 variant allele, 1 heterozygote.
Comment: This missense variant replaces glutamic acid with lysine at codon 3043 of the BRCA2 protein. Computational prediction suggests that this variant may not impact protein structure and function (internally defined REVEL score threshold <= 0.5, PMID: 27666373). To our knowledge, functional studies have not been reported for this variant. This variant has not been reported in individuals affected with BRCA2-related disorders in the literature. This variant has not been identified in the general population by the Genome Aggregation Database (gnomAD). The available evidence is insufficient to determine the role of this variant in disease conclusively. Therefore, this variant is classified as a Variant of Uncertain Significance.

This study involves interpretation of variants in research participants for the purpose of population health screening. Participant phenotype was not available at the time of variant classification. Additional details can be found in publication PMID: 35346344, PMCID: PMC8962531

Color Diagnostics, LLC DBA Color Health
Classification: Uncertain significance for Hereditary cancer-predisposing syndrome. Last evaluated: 2023-03-15. Review status: criteria provided, single submitter. Criteria: ACMG Guidelines, 2015. Collection method: clinical testing. Allele origin: germline.
Comment: This missense variant replaces glutamic acid with lysine at codon 3043 of the BRCA2 protein. Computational prediction suggests that this variant may not impact protein structure and function (internally defined REVEL score threshold <= 0.5, PMID: 27666373). To our knowledge, functional studies have not been reported for this variant. This variant has not been reported in individuals affected with BRCA2-related disorders in the literature. This variant has not been identified in the general population by the Genome Aggregation Database (gnomAD). The available evidence is insufficient to determine the role of this variant in disease conclusively. Therefore, this variant is classified as a Variant of Uncertain Significance.

NM_000059.4(BRCA2):c.9127G>A (p.Glu3043Lys)

Gene: BRCA2 (BRCA2 DNA repair associated; plus strand). Cytogenetic location: 13q13.1.
Variant type: single nucleotide variant.
Coding change: c.9127G>A on transcript NM_000059.4 (MANE Select); coding-DNA position 9127, G replaced by A.
Protein change: p.Glu3043Lys; replaces glutamic acid 3043 with lysine.
Molecular consequence: missense variant. On other transcripts: non-coding transcript variant (1).
Genome position (GRCh38, 1-based): chr13:32,380,016, G>A. VCF-style: chr13-32380016-G-A. GRCh37 (hg19) VCF-style: chr13-32954153-G-A.
Other names: c.9031G>A, p.Glu3011Lys (NM_001406719.1); c.9076G>A, p.Glu3026Lys (NM_001406720.1); c.4195G>A, p.Glu1399Lys (NM_001406721.1); c.2710G>A, p.Glu904Lys (NM_001406722.1); short protein forms E904K, E3043K, E1399K, E3011K, E3026K.
Identifiers: ClinVar variation 2774963 (VCV002774963.3), dbSNP rs398122610, ClinGen allele CA387757781.
Genomic context (GRCh38, chr13:32,380,016, plus strand): 5'-TGTTAGTTTATGGAATCTCCATATGTTGAATTTTTGTTTTGTTTTCTGTAGGTTTCAGAT[G>A]AAATTTTATTTCAGATTTACCAGCCACGGGAGCCCCTTCACTTCAGCAAATTTTTAGATC-3'
Protein context (NP_000050.3, residues 3033-3053): TQYQQLPVSD[Glu3043Lys]ILFQIYQPRE